The following is an entry in ClinVar:

NM_001379451.1(BCORL1):c.4025C>G (p.Thr1342Ser)

Gene: BCORL1 (BCL6 corepressor like 1; plus strand). Cytogenetic location: Xq26.1.
Variant type: single nucleotide variant.
Coding change: c.4025C>G on transcript NM_001379451.1 (MANE Select); coding-DNA position 4025, C replaced by G.
Protein change: p.Thr1342Ser; replaces threonine 1342 with serine.
Molecular consequence: missense variant.
Genome position (GRCh38, 1-based): chrX:130,025,326, C>G. VCF-style: chrX-130025326-C-G. GRCh37 (hg19) VCF-style: chrX-129159301-C-G.
Other names: c.4025C>G, p.Thr1342Ser (NM_001184772.3, NM_001379450.1, NM_021946.5); short protein forms T1342S.
Identifiers: ClinVar variation 3252276 (VCV003252276.1), dbSNP rs2124489548.

ClinVar aggregate classification (germline): Uncertain significance (1 of 4 stars; one submission).

Submission:

GeneDx
Classification: Uncertain significance. Last evaluated: 2024-04-15. Review status: criteria provided, single submitter. Criteria: GeneDx Variant Classification Process June 2021. Collection method: clinical testing. Allele origin: germline. Affected: yes.
Comment: Not observed at significant frequency in large population cohorts (gnomAD); In silico analysis indicates that this missense variant does not alter protein structure/function; Has not been previously published as pathogenic or benign to our knowledge